The following is an entry in ClinVar:

ClinVar aggregate classification (germline): Uncertain significance. Review status: criteria provided, single submitter (1 of 4 stars). 2 submissions from 2 submitters: Uncertain significance (1). 1 of the submissions does not count toward it. Last evaluated 2022-07-29.

Conditions:
Anauxetic dysplasia. Identifiers: Orphanet 93347, MedGen C1846796, MONDO:0011773.
Metaphyseal chondrodysplasia, McKusick type (CHH). Also called: Cartilage-Hair Hypoplasia (CHH); Cartilage-hair hypoplasia. Identifiers: Orphanet 175, MedGen C0220748, MONDO:0009595, OMIM 250250.

Allele frequency attached by ClinVar (database versions not stated): gnomAD exomes below 0.00001; gnomAD 0.00001 and 0.00002; TOPMed 0.00002.

Submissions (2):

Labcorp Genetics (formerly Invitae), Labcorp
Classification: Uncertain significance for Anauxetic dysplasia. Last evaluated: 2022-07-29. Review status: criteria provided, single submitter. Criteria: Invitae Variant Classification Sherloc (09022015). Collection method: clinical testing. Allele origin: germline.
Comment: This variant occurs in the RMRP gene, which encodes an RNA molecule that does not result in a protein product. This variant is not present in population databases (gnomAD no frequency). This variant has not been reported in the literature in individuals affected with RMRP-related conditions. ClinVar contains an entry for this variant (Variation ID: 550782). Experimental studies and prediction algorithms are not available or were not evaluated, and the functional significance of this variant is currently unknown. In summary, the available evidence is currently insufficient to determine the role of this variant in disease. Therefore, it has been classified as a Variant of Uncertain Significance.

Counsyl
Classification: Uncertain significance for Metaphyseal chondrodysplasia, McKusick type. Last evaluated: 2017-02-17. Review status: no assertion criteria provided. Collection method: clinical testing. Allele origin: unknown. Not counted in ClinVar's aggregate classification.

NR_003051.4(RMRP):n.122_124dup

Gene: RMRP (RNA component of mitochondrial RNA processing endoribonuclease; minus strand). Cytogenetic location: 9p13.3.
Variant type: Duplication.
Genome position: GRCh38 VCF-style: chr9-35657895-G-GAAT. GRCh37 (hg19) VCF-style: chr9-35657892-G-GAAT.
Identifiers: ClinVar variation 550782 (VCV000550782.5), dbSNP rs1240755048, ClinGen allele CA658821581.
Genomic context (GRCh38, chr9:35,657,895, plus strand): 5'-CCCCGCGCCACGCCGCTCAGCGGGATACGCTTCTTGGCGGACTTTGGAGTGGGAAGCGGG[G>GAAT]AATGTCTACGTGCGTATGCACGTGGCACTCTCTGCCCGAGGTCCGGGGACTTTCCCCTAG-3'